The following is an entry in ClinVar:

NM_000232.5(SGCB):c.244-21T>C

Gene: SGCB (sarcoglycan beta; minus strand). Cytogenetic location: 4q12.
Variant type: single nucleotide variant.
Coding change: c.244-21T>C on transcript NM_000232.5 (MANE Select); 21 bases into the intron before coding-DNA position 244, T replaced by C.
Molecular consequence: intron variant.
Genome position (GRCh38, 1-based): chr4:52,029,884, A>G on the plus strand (T>C on the coding strand, the complement: SGCB is on the minus strand). VCF-style: chr4-52029884-A-G. GRCh37 (hg19) VCF-style: chr4-52896050-A-G.
Identifiers: ClinVar variation 255605 (VCV000255605.10), dbSNP rs225170, ClinGen allele CA2918456.

ClinVar aggregate classification (germline): Benign. Review status: criteria provided, multiple submitters, no conflicts (2 of 4 stars). 6 submissions from 6 submitters: Benign (6). Last evaluated 2025-10-08.

Conditions:
Autosomal recessive limb-girdle muscular dystrophy type 2E (LGMDR4). Also called: MUSCULAR DYSTROPHY, LIMB-GIRDLE, AUTOSOMAL RECESSIVE 4. Identifiers: Orphanet 119, MedGen C1858593, MONDO:0011423, OMIM 604286. Disease mechanism: Affects gamma-sarcoglycan and also disrupts the integrity of the entire sarcoglycan complex..

Allele frequency attached by ClinVar (database versions not stated): 1000 Genomes Project 30x 0.35540; ESP Exome Variant Server 0.43480; 1000 Genomes Project 0.35563; gnomAD 0.43458 and 0.43577; gnomAD exomes 0.49854 and 0.53527; TOPMed 0.43467; ExAC 0.49360.
gnomAD v4.1: 834,057 of 1,589,616 alleles (52%); highest among the groups gnomAD compares: Admixed American, 58%; 228,198 homozygotes.

Submissions (6):

Labcorp Genetics (formerly Invitae), Labcorp
Classification: Benign for Autosomal recessive limb-girdle muscular dystrophy type 2E. Last evaluated: 2025-10-08. Review status: criteria provided, single submitter. Criteria: Invitae Variant Classification Sherloc (09022015). Collection method: clinical testing. Allele origin: germline.

Genome-Nilou Lab
Classification: Benign for Autosomal recessive limb-girdle muscular dystrophy type 2E. Last evaluated: 2021-07-15. Review status: criteria provided, single submitter. Criteria: ACMG Guidelines, 2015. Collection method: clinical testing. Allele origin: germline. Affected: no.

Pars Genome Lab
Classification: Benign for Autosomal recessive limb-girdle muscular dystrophy type 2E. Last evaluated: 2021-06-15. Review status: criteria provided, single submitter. Criteria: ACMG Guidelines, 2015. Collection method: clinical testing. Allele origin: germline. Affected: no.

GeneDx
Classification: Benign. Last evaluated: 2018-06-19. Review status: criteria provided, single submitter. Criteria: GeneDx Variant Classification (06012015). Collection method: clinical testing. Allele origin: germline. Affected: yes.
Comment: This variant is considered likely benign or benign based on one or more of the following criteria: it is a conservative change, it occurs at a poorly conserved position in the protein, it is predicted to be benign by multiple in silico algorithms, and/or has population frequency not consistent with disease.

Breakthrough Genomics
Classification: Benign. Review status: criteria provided, single submitter. Criteria: ACMG Guidelines, 2015. Collection method: not provided. Allele origin: germline. Inheritance: Autosomal recessive inheritance. Affected: yes.

PreventionGenetics, part of Exact Sciences
Classification: Benign. Review status: criteria provided, single submitter. Criteria: ACMG Guidelines, 2015. Collection method: clinical testing. Allele origin: germline.